The following is an entry in ClinVar:

ClinVar aggregate classification (germline): Uncertain significance. Review status: criteria provided, multiple submitters, no conflicts (2 of 4 stars). 2 submissions from 2 submitters: Uncertain significance (2). Last evaluated 2026-08-02.

Conditions:
CHARGE syndrome (CHARGE). Also called: Hittner Hirsch Kreh syndrome; CHARGE ASSOCIATION--COLOBOMA, HEART ANOMALY, CHOANAL ATRESIA, RETARDATION, GENITAL AND EAR ANOMALIES; Coloboma, heart anomaly, choanal atresia, retardation, genital and ear anomalies; CHARGE association; Hall-Hittner syndrome. Identifiers: Orphanet 138, MedGen C0265354, MONDO:0008965.

Submissions (2):

GeneDx
Classification: Uncertain significance. Last evaluated: 2026-08-02. Review status: criteria provided, single submitter. Criteria: GeneDx Variant Classification Process June 2021. Collection method: clinical testing. Allele origin: germline.
Comment: Not observed at significant frequency in large population cohorts (gnomAD); In silico analysis supports that this missense variant has a deleterious effect on protein structure/function; Has not been previously published as pathogenic or benign to our knowledge

Labcorp Genetics (formerly Invitae), Labcorp
Classification: Uncertain significance for CHARGE syndrome. Last evaluated: 2024-09-13. Review status: criteria provided, single submitter. Criteria: Invitae Variant Classification Sherloc (09022015). Collection method: clinical testing. Allele origin: germline.
Comment: This sequence change replaces aspartic acid, which is acidic and polar, with glycine, which is neutral and non-polar, at codon 1105 of the CHD7 protein (p.Asp1105Gly). This variant is not present in population databases (gnomAD no frequency). This variant has not been reported in the literature in individuals affected with CHD7-related conditions. ClinVar contains an entry for this variant (Variation ID: 2501352). Invitae Evidence Modeling of protein sequence and biophysical properties (such as structural, functional, and spatial information, amino acid conservation, physicochemical variation, residue mobility, and thermodynamic stability) indicates that this missense variant is expected to disrupt CHD7 protein function with a positive predictive value of 95%. In summary, the available evidence is currently insufficient to determine the role of this variant in disease. Therefore, it has been classified as a Variant of Uncertain Significance.

NM_017780.4(CHD7):c.3314A>G (p.Asp1105Gly)

Gene: CHD7 (chromodomain helicase DNA binding protein 7; plus strand). Cytogenetic location: 8q12.2.
Variant type: single nucleotide variant.
Coding change: c.3314A>G on transcript NM_017780.4 (MANE Select); coding-DNA position 3314, A replaced by G.
Protein change: p.Asp1105Gly; replaces aspartic acid 1105 with glycine.
Molecular consequence: missense variant. On other transcripts: intron variant (1).
Genome position (GRCh38, 1-based): chr8:60,823,952, A>G. VCF-style: chr8-60823952-A-G. GRCh37 (hg19) VCF-style: chr8-61736511-A-G.
Other names: c.1717-38277A>G (NM_001316690.1); short protein forms D1105G.
Identifiers: ClinVar variation 2501352 (VCV002501352.4), dbSNP rs2487819151, ClinGen allele CA371312285.